The following is an entry in ClinVar:

NM_018082.6(POLR3B):c.1263C>A (p.Thr421=)

Gene: POLR3B (RNA polymerase III subunit B; plus strand). Cytogenetic location: 12q23.3.
Variant type: single nucleotide variant.
Coding change: c.1263C>A on transcript NM_018082.6 (MANE Select); coding-DNA position 1263, C replaced by A.
Protein change: p.Thr421=; no amino-acid change (threonine 421 retained).
Molecular consequence: synonymous variant.
Genome position (GRCh38, 1-based): chr12:106,427,358, C>A. VCF-style: chr12-106427358-C-A. GRCh37 (hg19) VCF-style: chr12-106821136-C-A.
Other names: c.1089C>A, p.Thr363= (NM_001160708.2).
Identifiers: ClinVar variation 3905166 (VCV003905166.10).

ClinVar aggregate classification (germline): Likely benign (1 of 4 stars; one submission).

gnomAD v4.1: 44 of 1,612,044 alleles (0.0027%); highest among the groups gnomAD compares: Admixed American, 0.0033%; no homozygotes.

Submission:

CeGaT Center for Human Genetics Tuebingen
Classification: Likely benign. Last evaluated: 2025-05-01. Review status: criteria provided, single submitter. Criteria: CeGaT Center For Human Genetics Tuebingen Variant Classification Criteria Version 2. Collection method: clinical testing. Allele origin: germline. Affected: yes. Observed: 1 variant allele.
Comment: POLR3B: BP4, BP7